The following is an entry in ClinVar:

ClinVar aggregate classification (germline): Uncertain significance. Review status: criteria provided, multiple submitters, no conflicts (2 of 4 stars). 2 submissions from 2 submitters: Uncertain significance (2). Last evaluated 2023-07-17.

Conditions:
Hereditary cancer-predisposing syndrome. Also called: Hereditary Cancer Syndrome; Hereditary neoplastic syndrome; Tumor predisposition; Neoplastic Syndromes, Hereditary. Identifiers: Orphanet 140162, MedGen C0027672, MeSH D009386, MONDO:0015356.

Submissions (2):

Color Diagnostics, LLC DBA Color Health
Classification: Uncertain significance for Hereditary cancer-predisposing syndrome. Last evaluated: 2023-07-17. Review status: criteria provided, single submitter. Criteria: ACMG Guidelines, 2015. Collection method: clinical testing. Allele origin: germline.
Comment: This missense variant replaces phenylalanine with leucine at codon 807 of the PMS2 protein. Computational prediction suggests that this variant may not impact protein structure and function (internally defined REVEL score threshold <= 0.5, PMID: 27666373). To our knowledge, functional studies have not been reported for this variant. This variant has not been reported in individuals affected with PMS2-related disorders in the literature. This variant has not been identified in the general population by the Genome Aggregation Database (gnomAD). The available evidence is insufficient to determine the role of this variant in disease conclusively. Therefore, this variant is classified as a Variant of Uncertain Significance.

Ambry Genetics
Classification: Uncertain significance for Hereditary cancer-predisposing syndrome. Last evaluated: 2020-08-21. Review status: criteria provided, single submitter. Criteria: Ambry Variant Classification Scheme 2023. Collection method: clinical testing. Allele origin: germline.
Comment: The p.F807L variant (also known as c.2419T>C), located in coding exon 14 of the PMS2 gene, results from a T to C substitution at nucleotide position 2419. The phenylalanine at codon 807 is replaced by leucine, an amino acid with highly similar properties. This amino acid position is highly conserved in available vertebrate species. In addition, the in silico prediction for this alteration is inconclusive. Since supporting evidence is limited at this time, the clinical significance of this alteration remains unclear.

NM_000535.7(PMS2):c.2419T>C (p.Phe807Leu)

Gene: PMS2 (PMS1 homolog 2, mismatch repair system component; minus strand). Cytogenetic location: 7p22.1.
Variant type: single nucleotide variant.
Coding change: c.2419T>C on transcript NM_000535.7 (MANE Select); coding-DNA position 2419, T replaced by C.
Protein change: p.Phe807Leu; replaces phenylalanine 807 with leucine.
Molecular consequence: missense variant. On other transcripts: non-coding transcript variant (1).
Genome position (GRCh38, 1-based): chr7:5,977,614, A>G on the plus strand (T>C on the coding strand, the complement: PMS2 is on the minus strand). VCF-style: chr7-5977614-A-G. GRCh37 (hg19) VCF-style: chr7-6017245-A-G.
Other names: c.2014T>C, p.Phe672Leu (NM_001018040.1, NM_001322003.2, NM_001322004.2 and 12 more transcripts); c.2263T>C, p.Phe755Leu (NM_001322006.2); c.2101T>C, p.Phe701Leu (NM_001322007.2, NM_001322008.2, NM_001406883.1); c.2047T>C, p.Phe683Leu (NM_001322009.2, NM_001406887.1, NM_001406888.1); c.1858T>C, p.Phe620Leu (NM_001322010.2, NM_001406906.1, NM_001406907.1); c.1486T>C, p.Phe496Leu (NM_001322011.2, NM_001322012.2); c.1846T>C, p.Phe616Leu (NM_001322013.2, NM_001406908.1, NM_001406909.1); c.2452T>C, p.Phe818Leu (NM_001322014.2); and 20 more; short protein forms F685L, F699L, F741L, F766L, F406L, F568L, F616L, F672L.
Identifiers: ClinVar variation 1790983 (VCV001790983.4), dbSNP rs2128672084, ClinGen allele CA366735619.